The following is an entry in ClinVar:

NM_144596.4(TTC8):c.172C>A (p.Leu58Ile)

Gene: TTC8 (tetratricopeptide repeat domain 8; plus strand). Cytogenetic location: 14q31.3.
Variant type: single nucleotide variant.
Coding change: c.172C>A on transcript NM_144596.4 (MANE Select); coding-DNA position 172, C replaced by A.
Protein change: p.Leu58Ile; replaces leucine 58 with isoleucine.
Molecular consequence: missense variant. On other transcripts: 5 prime UTR variant (2), non-coding transcript variant (1).
Genome position (GRCh38, 1-based): chr14:88,839,479, C>A. VCF-style: chr14-88839479-C-A. GRCh37 (hg19) VCF-style: chr14-89305823-C-A.
Other names: c.142C>A, p.Leu48Ile (NM_001288781.1, NM_001366535.2, NM_001366536.2 and 2 more transcripts); c.-421C>A (NM_001288782.1); c.-516C>A (NM_001288783.1); short protein forms L48I, L58I.
Identifiers: ClinVar variation 2106331 (VCV002106331.5), dbSNP rs2546164281, ClinGen allele CA390572480.

ClinVar aggregate classification (germline): Uncertain significance. Review status: criteria provided, multiple submitters, no conflicts (2 of 4 stars). 2 submissions from 2 submitters: Uncertain significance (2). Last evaluated 2024-03-28.

Conditions:
Bardet-Biedl syndrome 8 (BBS8). Identifiers: Orphanet 110, MedGen C1859566, MONDO:0014436, OMIM 615985.
Retinitis pigmentosa 51 (RP51). Identifiers: Orphanet 791, MedGen C3150715, MONDO:0013274, OMIM 613464.
Bardet-Biedl syndrome (BBS). Identifiers: Orphanet 110, MedGen C0752166, MONDO:0015229.

Submissions (2):

Fulgent Genetics
Classification: Uncertain significance for Retinitis pigmentosa 51; Bardet-Biedl syndrome 8. Last evaluated: 2024-03-28. Review status: criteria provided, single submitter. Criteria: ACMG Guidelines, 2015. Collection method: clinical testing. Allele origin: germline.

Labcorp Genetics (formerly Invitae), Labcorp
Classification: Uncertain significance for Bardet-Biedl syndrome. Last evaluated: 2022-08-16. Review status: criteria provided, single submitter. Criteria: Invitae Variant Classification Sherloc (09022015). Collection method: clinical testing. Allele origin: germline.
Comment: This sequence change replaces leucine, which is neutral and non-polar, with isoleucine, which is neutral and non-polar, at codon 48 of the TTC8 protein (p.Leu48Ile). This variant is not present in population databases (gnomAD no frequency). This variant has not been reported in the literature in individuals affected with TTC8-related conditions. Algorithms developed to predict the effect of missense changes on protein structure and function are either unavailable or do not agree on the potential impact of this missense change (SIFT: "Deleterious"; PolyPhen-2: "Possibly Damaging"; Align-GVGD: "Class C0"). In summary, the available evidence is currently insufficient to determine the role of this variant in disease. Therefore, it has been classified as a Variant of Uncertain Significance.